The following continues an entry in ClinVar:

NM_007294.4(BRCA1):c.4327C>T (p.Arg1443Ter)

Gene: BRCA1. ClinVar aggregate classification (germline): Pathogenic. Pathogenic (1).

Submissions 35 to 58 of 59:

Department of Pathology and Molecular Medicine, Queen's University
Classification: Pathogenic for Hereditary breast ovarian cancer syndrome. Last evaluated: 2017-04-20. Review status: criteria provided, single submitter. Criteria: ACMG Guidelines, 2015. Collection method: clinical testing. Allele origin: germline. Study: The Canadian Open Genetics Repository (COGR). Not counted in ClinVar's aggregate classification.

Baylor Genetics
Classification: Pathogenic for Familial cancer of breast. Last evaluated: 2017-02-23. Review status: criteria provided, single submitter. Criteria: ACMG Guidelines, 2015. Collection method: clinical testing. Allele origin: germline. Inheritance: Autosomal dominant inheritance. Affected: yes. Observed: 1 variant allele. Not counted in ClinVar's aggregate classification.

Genologica Medica
Classification: Pathogenic for Breast-ovarian cancer, familial, susceptibility to, 1. Last evaluated: 2017-01-01. Review status: criteria provided, single submitter. Criteria: ACMG Guidelines, 2015. Collection method: clinical testing. Allele origin: germline. Affected: yes. Not counted in ClinVar's aggregate classification.

Genetic Services Laboratory, University of Chicago
Classification: Pathogenic for {Breast-ovarian cancer, familial, 1}. Last evaluated: 2016-11-29. Review status: criteria provided, single submitter. Criteria: ACMG Guidelines, 2015. Collection method: clinical testing. Allele origin: germline. Affected: yes. Not counted in ClinVar's aggregate classification.

Women's Health and Genetics/Laboratory Corporation of America, LabCorp
Classification: Pathogenic for Hereditary breast ovarian cancer syndrome. Last evaluated: 2016-08-15. Review status: criteria provided, single submitter. Criteria: LabCorp Variant Classification Summary - May 2015. Collection method: clinical testing. Allele origin: germline. Not counted in ClinVar's aggregate classification.
Comment: Variant summary: The c.4327C>T (p.Arg1443X) variant in BRCA1 gene is a nonsense mutation. The mutation is predicted to cause loss of normal protein function through either protein truncation or nonsense-mediated mRNA decay. The variant was observed in the large and broad cohorts of the ExAC project at an allele frequency of 0.000016 (2/121390 chrs tested). This frequency does not exceed the maximal expected allele frequency for a pathogenic variant in BRCA1 (0.001). The variant has been reported in multiple HBOC families and was shown to segregate with disease phenotype. It has been classified as pathogenic by multiple reputable databases/clinical laboratories. Taken together, the variant was classified as Pathogenic.

GeneKor MSA
Classification: Pathogenic. Last evaluated: 2016-07-01. Review status: criteria provided, single submitter. Criteria: ACMG Guidelines, 2015. Collection method: clinical testing. Allele origin: germline. Not counted in ClinVar's aggregate classification.

Molecular Genetics Laboratory, University of Michigan
Classification: Pathogenic for Breast-ovarian cancer, familial, susceptibility to, 1. Last evaluated: 2016-04-21. Review status: criteria provided, single submitter. Criteria: ACMG Guidelines, 2015. Collection method: clinical testing. Allele origin: germline. Affected: yes. Not counted in ClinVar's aggregate classification.

Consortium of Investigators of Modifiers of BRCA1/2 (CIMBA), c/o University of Cambridge
Classification: Pathogenic for Breast-ovarian cancer, familial, susceptibility to, 1. Last evaluated: 2015-10-02. Review status: criteria provided, single submitter. Criteria: CIMBA Mutation Classification guidelines May 2016. Collection method: clinical testing. Allele origin: germline. Not counted in ClinVar's aggregate classification.

Clinical Genetics DNA and cytogenetics Diagnostics Lab, Erasmus MC, Erasmus Medical Center
Classification: Pathogenic for Breast-ovarian cancer, familial, susceptibility to, 1. Last evaluated: 2015-09-21. Review status: criteria provided, single submitter. Criteria: ACGS Guidelines, 2013. Collection method: clinical testing. Allele origin: germline. Affected: yes. Study: VKGL Data-share Consensus. Not counted in ClinVar's aggregate classification.

Clinical Genetics and Genomics, Karolinska University Hospital
Classification: Pathogenic. Last evaluated: 2015-08-19. Review status: criteria provided, single submitter. Criteria: ACMG Guidelines, 2015. Collection method: clinical testing. Allele origin: germline. Affected: yes. Observed: 1 variant allele. Not counted in ClinVar's aggregate classification.

Genome Diagnostics Laboratory, University Medical Center Utrecht
Classification: Pathogenic for Breast-ovarian cancer, familial, susceptibility to, 1. Last evaluated: 2014-10-08. Review status: criteria provided, single submitter. Criteria: ACGS Guidelines, 2013. Collection method: clinical testing. Allele origin: germline. Affected: yes. Study: VKGL Data-share Consensus. Not counted in ClinVar's aggregate classification.

Juno Genomics, Hangzhou Juno Genomics, Inc
Classification: Pathogenic for Breast-ovarian cancer, familial, susceptibility to, 1. Review status: criteria provided, single submitter. Criteria: ACMG Guidelines, 2015. Collection method: clinical testing. Allele origin: germline. Not counted in ClinVar's aggregate classification.
Comment: Absent from controls (or at extremely low frequency if recessive) in Genome Aggregation Database.;Null variant in a gene where loss of function (LOF) is a known mechanism of disease.;Novel missense change at an amino acid residue where a different missense change determined to be pathogenic has been seen before.

BRCAlab, Lund University
Classification: Pathogenic for Breast-ovarian cancer, familial, susceptibility to, 1. Last evaluated: 2022-08-26. Review status: no assertion criteria provided. Collection method: clinical testing. Allele origin: germline. Affected: yes. Not counted in ClinVar's aggregate classification.

Foulkes Cancer Genetics LDI, Lady Davis Institute for Medical Research
Classification: Pathogenic for Breast and/or ovarian cancer. Last evaluated: 2015-12-07. Review status: no assertion criteria provided. Collection method: clinical testing. Allele origin: germline. Study: The Canadian Open Genetics Repository (COGR). Not counted in ClinVar's aggregate classification.

Counsyl
Classification: Pathogenic for Breast-ovarian cancer, familial 1. Last evaluated: 2014-10-02. Review status: no assertion criteria provided. Collection method: literature only. Allele origin: unknown. Inheritance: Autosomal dominant inheritance. Not counted in ClinVar's aggregate classification.

Research Molecular Genetics Laboratory, Women's College Hospital, University of Toronto
Classification: Pathogenic for Hereditary breast ovarian cancer syndrome. Last evaluated: 2014-01-31. Review status: no assertion criteria provided. Collection method: research. Allele origin: germline. Affected: yes. Study: The Canadian Open Genetics Repository (COGR). Not counted in ClinVar's aggregate classification.

Sharing Clinical Reports Project (SCRP)
Classification: Pathogenic for Breast-ovarian cancer, familial 1. Last evaluated: 2013-11-14. Review status: no assertion criteria provided. Collection method: clinical testing. Allele origin: germline. Not counted in ClinVar's aggregate classification.

Breast Cancer Information Core (BIC) (BRCA1)
Classification: Pathogenic for Breast-ovarian cancer, familial 1. Last evaluated: 2002-05-29. Review status: no assertion criteria provided. Collection method: clinical testing. Allele origin: germline. Affected: yes. Observed: 133 variant alleles. Not counted in ClinVar's aggregate classification.

OMIM
Classification: Pathogenic for BREAST-OVARIAN CANCER, FAMILIAL, SUSCEPTIBILITY TO, 1. Last evaluated: 1994-12-01. Review status: no assertion criteria provided. Collection method: literature only. Allele origin: germline. Not counted in ClinVar's aggregate classification.

Bioinformatics dept., Datar Cancer Genetics Limited, India
Classification: Pathogenic for Familial cancer of breast. Review status: no assertion criteria provided. Collection method: case-control. Allele origin: germline. Affected: yes. Observed: 1 variant allele, 1 heterozygote. Not counted in ClinVar's aggregate classification.

Clinical Genetics Laboratory, Department of Pathology, Netherlands Cancer Institute
Classification: Pathogenic. Review status: no assertion criteria provided. Collection method: clinical testing. Allele origin: germline. Affected: yes. Study: VKGL Data-share Consensus. Not counted in ClinVar's aggregate classification.

Department of Pathology and Laboratory Medicine, Sinai Health System
Classification: Pathogenic for Malignant tumor of breast. Review status: no assertion criteria provided. Collection method: clinical testing. Allele origin: unknown. Affected: yes. Observed: 11 variant alleles. Study: The Canadian Open Genetics Repository (COGR). Not counted in ClinVar's aggregate classification.
Comment: The p.Arg1443X variant has been previously and extensively reported in the literature. In two selected publications, this variant was identified in 18 of 294 individuals with hereditary breast and ovarian cancer (Selected publications: Tonin 1998, Castilla 1994). This variant was identified as a founder French-Canadian mutation and a common haplotype was described; multiple individuals from these families had breast or ovarian cancers; additional data suggest this variant may also have arisen independently at least three times. The variant is described 83 times in the UMD database as "causal" and 126 times in the BIC database as clinically important. The p.Arg1443X variant leads to a premature stop codon at position 1443, which is predicted to lead to a truncated or absent protein and loss of function. Loss of function variants of the BRCA1 gene are an established mechanism of hereditary breast and ovarian cancer. In summary, based on the above information, this variant is classified as pathogenic.

Diagnostic Laboratory, Department of Genetics, University Medical Center Groningen
Classification: Pathogenic for Breast-ovarian cancer, familial, susceptibility to, 1. Review status: no assertion criteria provided. Collection method: clinical testing. Allele origin: germline. Affected: yes. Study: VKGL Data-share Consensus. Not counted in ClinVar's aggregate classification.

Joint Genome Diagnostic Labs from Nijmegen and Maastricht, Radboudumc and MUMC+
Classification: Pathogenic. Review status: no assertion criteria provided. Collection method: clinical testing. Allele origin: germline. Affected: yes. Study: VKGL Data-share Consensus. Not counted in ClinVar's aggregate classification.